The following is an entry in ClinVar:

ClinVar aggregate classification (germline): Pathogenic. Review status: criteria provided, multiple submitters, no conflicts (2 of 4 stars). 2 submissions from 2 submitters: Pathogenic (2). Last evaluated 2024-01-19.

Conditions:
Familial cancer of breast. Also called: hereditary breast carcinoma; BREAST CANCER, FAMILIAL; Hereditary breast cancer. Identifiers: Orphanet 227535, MedGen C0346153, MONDO:0016419, OMIM 114480. Disease mechanism: loss of function.
Ataxia-telangiectasia syndrome (AT). Also called: Cerebello-oculocutaneous telangiectasia; Immunodeficiency with ataxia telangiectasia; LOUIS-BAR SYNDROME; AT, COMPLEMENTATION GROUP C; ATAXIA-TELANGIECTASIA, COMPLEMENTATION GROUP A; ATAXIA-TELANGIECTASIA, FRESNO VARIANT. Identifiers: Orphanet 100, MedGen C0004135, MONDO:0008840, OMIM 208900.

Submissions (2):

Myriad Genetics, Inc.
Classification: Pathogenic for Familial cancer of breast. Last evaluated: 2024-01-19. Review status: criteria provided, single submitter. Criteria: Myriad Autosomal Dominant, Autosomal Recessive and X-Linked Classification Criteria (2023). Collection method: clinical testing. Allele origin: unknown.
Comment: This variant is considered pathogenic. This variant creates a frameshift predicted to result in premature protein truncation.

Labcorp Genetics (formerly Invitae), Labcorp
Classification: Pathogenic for Ataxia-telangiectasia syndrome. Last evaluated: 2019-09-05. Review status: criteria provided, single submitter. Criteria: Invitae Variant Classification Sherloc (09022015). Collection method: clinical testing. Allele origin: germline.
Comment: For these reasons, this variant has been classified as Pathogenic. Loss-of-function variants in ATM are known to be pathogenic (PMID: 23807571, 25614872). This variant has not been reported in the literature in individuals with ATM-related conditions. This variant is not present in population databases (ExAC no frequency). This sequence change creates a premature translational stop signal (p.Asp1099Glufs*10) in the ATM gene. It is expected to result in an absent or disrupted protein product.

Literature cited by the submitters: PubMed 23807571 (cited by Labcorp Genetics (formerly Invitae), Labcorp); PubMed 25614872 (cited by Labcorp Genetics (formerly Invitae), Labcorp).

NM_000051.4(ATM):c.3297del (p.Asp1099fs)

Gene: ATM (ATM serine/threonine kinase; plus strand). Cytogenetic location: 11q22.3.
Variant type: Deletion.
Coding change: c.3297del on transcript NM_000051.4 (MANE Select); coding-DNA position 3297, one base deleted (C; older notation c.3297delC).
Protein change: p.Asp1099fs; shifts the reading frame from aspartic acid 1099.
Molecular consequence: frameshift variant.
Genome position (GRCh38, 1-based): chr11:108,279,503, C deleted. VCF-style (leftmost placement, unchanged base first): chr11-108279502-AC-A. GRCh37 (hg19) VCF-style: chr11-108150229-AC-A.
Other names: c.3297del, p.Asp1099fs (NM_001351834.2); short protein forms D1099fs.
Identifiers: ClinVar variation 939447 (VCV000939447.8), dbSNP rs2082115419, ClinGen allele CA1139662222.